The following is an entry in ClinVar:

NM_000020.3(ACVRL1):c.265T>A (p.Cys89Ser)

Gene: ACVRL1 (activin A receptor like type 1; plus strand). Cytogenetic location: 12q13.13.
Variant type: single nucleotide variant.
Coding change: c.265T>A on transcript NM_000020.3 (MANE Select); coding-DNA position 265, T replaced by A.
Protein change: p.Cys89Ser; replaces cysteine 89 with serine.
Molecular consequence: missense variant. On other transcripts: intron variant (1).
Genome position (GRCh38, 1-based): chr12:51,913,302, T>A. VCF-style: chr12-51913302-T-A. GRCh37 (hg19) VCF-style: chr12-52307086-T-A.
Other names: c.265T>A, p.Cys89Ser (NM_001406493.1, NM_001406494.1, NM_001077401.2 and 6 more transcripts); c.61+767T>A (NM_001406495.1); short protein forms C89S.
Identifiers: ClinVar variation 3635218 (VCV003635218.2).

ClinVar aggregate classification (germline): Pathogenic (1 of 4 stars; one submission).

Conditions:
Telangiectasia, hereditary hemorrhagic, type 2 (HHT2). Also called: ACVRL1-Related Hereditary Hemorrhagic Telangiectasia; Telangiectasia, hereditary hemorrhagic, type II. Identifiers: Orphanet 774, MedGen C1838163, MONDO:0010880, OMIM 600376. Disease mechanism: loss of function.

Submission:

Labcorp Genetics (formerly Invitae), Labcorp
Classification: Pathogenic for Telangiectasia, hereditary hemorrhagic, type 2. Last evaluated: 2024-09-11. Review status: criteria provided, single submitter. Criteria: Invitae Variant Classification Sherloc (09022015). Collection method: clinical testing. Allele origin: germline.
Comment: This sequence change replaces cysteine, which is neutral and slightly polar, with serine, which is neutral and polar, at codon 89 of the ACVRL1 protein (p.Cys89Ser). This variant is not present in population databases (gnomAD no frequency). This missense change has been observed in individual(s) with clinical features of hereditary hemorrhagic telangiectasia (internal data). Invitae Evidence Modeling of protein sequence and biophysical properties (such as structural, functional, and spatial information, amino acid conservation, physicochemical variation, residue mobility, and thermodynamic stability) indicates that this missense variant is expected to disrupt ACVRL1 protein function with a positive predictive value of 95%. This variant affects a cysteine residue located within the ACVRL1 protein ectodomain. Cysteine residues in this domain of ACVRL1 are involved in the formation of disulfide bridges critical for protein structure and stability (PMID: 22028876, 22718755, 22799562). In addition, missense substitutions within the ACVRL1 ectodomain affecting cysteine residues are overrepresented in patients with HHT (PMID: 20501893, 26176610 and an online resource). This variant disrupts the p.Cys89 amino acid residue in ACVRL1. Other variant(s) that disrupt this residue have been determined to be pathogenic (PMID: 32300199; internal data). This suggests that this residue is clinically significant, and that variants that disrupt this residue are likely to be disease-causing. For these reasons, this variant has been classified as Pathogenic.

Literature cited by the submitters: PubMed 22028876; PubMed 22718755; PubMed 22799562; PubMed 20501893; PubMed 26176610; PubMed 32300199.